The following is an entry in ClinVar:

NM_000454.5(SOD1):c.424G>T (p.Gly142Ter)

Gene: SOD1 (superoxide dismutase 1; plus strand). Cytogenetic location: 21q22.11.
Variant type: single nucleotide variant.
Coding change: c.424G>T on transcript NM_000454.5 (MANE Select); coding-DNA position 424, G replaced by T.
Protein change: p.Gly142Ter; replaces glycine 142 with a stop codon.
Molecular consequence: nonsense.
Genome position (GRCh38, 1-based): chr21:31,668,537, G>T. VCF-style: chr21-31668537-G-T. GRCh37 (hg19) VCF-style: chr21-33040850-G-T.
Other names: short protein forms G142*.
Identifiers: ClinVar variation 4710599 (VCV004710599.1).

ClinVar aggregate classification (germline): Likely pathogenic (1 of 4 stars; one submission).

Conditions:
Amyotrophic lateral sclerosis type 1 (ALS1). Also called: AMYOTROPHIC LATERAL SCLEROSIS 1, FAMILIAL. Identifiers: Orphanet 803, MedGen C1862939, MONDO:0007103, OMIM 105400.

Submission:

Labcorp Genetics (formerly Invitae), Labcorp
Classification: Likely pathogenic for Amyotrophic lateral sclerosis type 1. Last evaluated: 2025-02-04. Review status: criteria provided, single submitter. Criteria: Invitae Variant Classification Sherloc (09022015). Collection method: clinical testing. Allele origin: germline.
Comment: This sequence change creates a premature translational stop signal (p.Gly142*) in the SOD1 gene. While this is not anticipated to result in nonsense mediated decay, it is expected to disrupt the last 13 amino acid(s) of the SOD1 protein. This variant is not present in population databases (gnomAD no frequency). This premature translational stop signal has been observed in individuals with clinical features of autosomal dominant amyotrophic lateral sclerosis (PMID: 14506936, 25917047; internal data). It has also been observed to segregate with disease in related individuals. This variant is also known as p.Gly141X. In summary, the currently available evidence indicates that the variant is pathogenic, but additional data are needed to prove that conclusively. Therefore, this variant has been classified as Likely Pathogenic.

Literature cited by the submitters: PubMed 14506936; PubMed 25917047.